The following is an entry in ClinVar:

NM_001205293.3(CACNA1E):c.3696C>T (p.Gly1232=)

Gene: CACNA1E (calcium voltage-gated channel subunit alpha1 E; plus strand). Cytogenetic location: 1q25.3.
Variant type: single nucleotide variant.
Coding change: c.3696C>T on transcript NM_001205293.3 (MANE Select); coding-DNA position 3696, C replaced by T.
Protein change: p.Gly1232=; no amino-acid change (glycine 1232 retained).
Molecular consequence: synonymous variant.
Genome position (GRCh38, 1-based): chr1:181,739,230, C>T. VCF-style: chr1-181739230-C-T. GRCh37 (hg19) VCF-style: chr1-181708366-C-T.
Other names: p.Gly1232=; c.3696C>T, p.Gly1232= (NM_000721.4); c.3639C>T, p.Gly1213= (NM_001205294.2).
Identifiers: ClinVar variation 1574216 (VCV001574216.33), dbSNP rs755064825, ClinGen allele CA1275635.

ClinVar aggregate classification (germline): Likely benign. Review status: criteria provided, multiple submitters, no conflicts (2 of 4 stars). 4 submissions from 4 submitters: Likely benign (4). Last evaluated 2025-09-23.

Conditions:
Developmental and epileptic encephalopathy, 69. Also called: EPILEPTIC ENCEPHALOPATHY, EARLY INFANTILE, 69. Identifiers: MedGen C4748988, MONDO:0032657, OMIM 618285.

Allele frequency attached by ClinVar (database versions not stated): gnomAD 0.00002; TOPMed 0.00002; gnomAD exomes 0.00006; ExAC 0.00008.
gnomAD v4.1: 56 of 1,612,284 alleles (0.0035%); highest among the groups gnomAD compares: East Asian, 0.0045%; no homozygotes.

Submissions (4):

Mayo Clinic Laboratories, Mayo Clinic
Classification: Likely benign. Last evaluated: 2025-09-23. Review status: criteria provided, single submitter. Criteria: ACMG Guidelines, 2015. Collection method: clinical testing. Allele origin: germline. Observed: 1 variant allele.
Comment: BP4, BP7

Labcorp Genetics (formerly Invitae), Labcorp
Classification: Likely benign. Last evaluated: 2024-11-03. Review status: criteria provided, single submitter. Criteria: Invitae Variant Classification Sherloc (09022015). Collection method: clinical testing. Allele origin: germline.

Genome-Nilou Lab
Classification: Likely benign for Developmental and epileptic encephalopathy, 69. Last evaluated: 2023-04-11. Review status: criteria provided, single submitter. Criteria: ACMG Guidelines, 2015. Collection method: clinical testing. Allele origin: germline. Affected: no.

CeGaT Center for Human Genetics Tuebingen
Classification: Likely benign. Last evaluated: 2022-06-01. Review status: criteria provided, single submitter. Criteria: CeGaT Center For Human Genetics Tuebingen Variant Classification Criteria Version 2. Collection method: clinical testing. Allele origin: germline. Affected: yes. Observed: 1 variant allele.
Comment: CACNA1E: BP4, BP7